The following is an entry in ClinVar:

ClinVar aggregate classification (germline): Uncertain significance. Review status: criteria provided, multiple submitters, no conflicts (2 of 4 stars). 3 submissions from 3 submitters: Uncertain significance (3). Last evaluated 2026-02-25.

Conditions:
Autosomal dominant spastic paraplegia type 9. Identifiers: MedGen C1832669, MONDO:0015091.
de Barsy syndrome. Also called: Cutis laxa-corneal clouding-oligophrenia syndrome. Identifiers: Orphanet 2962, MedGen C0268354, MONDO:0017569.
Cutis laxa, autosomal dominant 3 (ADCL3). Identifiers: Orphanet 90348, MedGen C4225268, MONDO:0014706, OMIM 616603.

Allele frequency attached by ClinVar (database versions not stated): ExAC 0.00008; gnomAD exomes 0.00008 and 0.00014; TOPMed 0.00008; gnomAD 0.00009; ESP Exome Variant Server 0.00023.
gnomAD v4.1: 213 of 1,613,266 alleles (0.013%); highest among the groups gnomAD compares: Non-Finnish European, 0.018%; no homozygotes.

Submissions (3):

GeneDx
Classification: Uncertain significance. Last evaluated: 2026-02-25. Review status: criteria provided, single submitter. Criteria: GeneDx Variant Classification Process June 2021. Collection method: clinical testing. Allele origin: germline.
Comment: Has not been previously published as pathogenic or benign to our knowledge; In silico analysis suggests that this missense variant does not alter protein structure/function

Labcorp Genetics (formerly Invitae), Labcorp
Classification: Uncertain significance for Autosomal dominant spastic paraplegia type 9; de Barsy syndrome; Cutis laxa, autosomal dominant 3. Last evaluated: 2025-08-22. Review status: criteria provided, single submitter. Criteria: Invitae Variant Classification Sherloc (09022015). Collection method: clinical testing. Allele origin: germline.
Comment: This sequence change replaces leucine, which is neutral and non-polar, with valine, which is neutral and non-polar, at codon 422 of the ALDH18A1 protein (p.Leu422Val). This variant is present in population databases (rs142712849, gnomAD 0.02%). This variant has not been reported in the literature in individuals affected with ALDH18A1-related conditions. ClinVar contains an entry for this variant (Variation ID: 464038). Invitae Evidence Modeling of protein sequence and biophysical properties (such as structural, functional, and spatial information, amino acid conservation, physicochemical variation, residue mobility, and thermodynamic stability) has been performed for this missense variant. However, the output from this modeling did not meet the statistical confidence thresholds required to predict the impact of this variant on ALDH18A1 protein function. In summary, the available evidence is currently insufficient to determine the role of this variant in disease. Therefore, it has been classified as a Variant of Uncertain Significance.

CeGaT Center for Human Genetics Tuebingen
Classification: Uncertain significance. Last evaluated: 2021-12-01. Review status: criteria provided, single submitter. Criteria: CeGaT Center For Human Genetics Tuebingen Variant Classification Criteria Version 2. Collection method: clinical testing. Allele origin: germline. Affected: yes. Observed: 1 variant allele.

NM_002860.4(ALDH18A1):c.1264C>G (p.Leu422Val)

Gene: ALDH18A1 (aldehyde dehydrogenase 18 family member A1; minus strand). Cytogenetic location: 10q24.1.
Variant type: single nucleotide variant.
Coding change: c.1264C>G on transcript NM_002860.4 (MANE Select); coding-DNA position 1264, C replaced by G.
Protein change: p.Leu422Val; replaces leucine 422 with valine.
Molecular consequence: missense variant.
Genome position (GRCh38, 1-based): chr10:95,621,234, G>C on the plus strand (C>G on the coding strand, the complement: ALDH18A1 is on the minus strand). VCF-style: chr10-95621234-G-C. GRCh37 (hg19) VCF-style: chr10-97380991-G-C.
Other names: c.1258C>G, p.Leu420Val (NM_001017423.2, NM_001323415.2); c.931C>G, p.Leu311Val (NM_001323412.2, NM_001323416.2); c.1264C>G, p.Leu422Val (NM_001323413.2, NM_001323414.2); c.1159C>G, p.Leu387Val (NM_001323417.2); c.925C>G, p.Leu309Val (NM_001323418.2); c.628C>G, p.Leu210Val (NM_001323419.2); short protein forms L422V, L311V, L210V, L387V, L420V, L309V.
Identifiers: ClinVar variation 464038 (VCV000464038.45), dbSNP rs142712849, ClinGen allele CA5620364.